The following is an entry in ClinVar:

ClinVar aggregate classification (germline): Uncertain significance (1 of 4 stars; one submission).

Conditions:
Cardiovascular phenotype. Identifiers: MedGen CN230736.

Allele frequency attached by ClinVar (database versions not stated): gnomAD exomes below 0.00001.
gnomAD v4.1: 2 of 1,613,362 alleles (0.00012%); highest among the groups gnomAD compares: South Asian, 0.0011%; no homozygotes.

Submission:

Ambry Genetics
Classification: Uncertain significance for Cardiovascular phenotype. Last evaluated: 2020-01-31. Review status: criteria provided, single submitter. Criteria: Ambry Variant Classification Scheme 2023. Collection method: clinical testing. Allele origin: germline.
Comment: The p.T24306I variant (also known as c.72917C>T), located in coding exon 183 of the TTN gene, results from a C to T substitution at nucleotide position 72917. The threonine at codon 24306 is replaced by isoleucine, an amino acid with similar properties. This amino acid position is not well conserved in available vertebrate species, and isoleucine is the reference amino acid in other vertebrate species. In addition, this alteration is predicted to be tolerated by in silico analysis. Since supporting evidence is limited at this time, the clinical significance of this alteration remains unclear.

NM_001267550.2(TTN):c.100112C>T (p.Thr33371Ile)

Genes: TTN (titin; minus strand), TTN-AS1 (TTN antisense RNA 1; plus strand), LOC126806420 (BRD4-independent group 4 enhancer GRCh37_chr2:179401104-179402303; plus strand). Cytogenetic location: 2q31.2.
Variant type: single nucleotide variant.
Coding change: c.100112C>T on transcript NM_001267550.2 (MANE Select); coding-DNA position 100112, C replaced by T.
Protein change: p.Thr33371Ile; replaces threonine 33371 with isoleucine.
Molecular consequence: missense variant.
Genome position (GRCh38, 1-based): chr2:178,536,997, G>A on the plus strand (C>T on the coding strand, the complement: TTN is on the minus strand). VCF-style: chr2-178536997-G-A. GRCh37 (hg19) VCF-style: chr2-179401724-G-A.
Other names: c.95189C>T, p.Thr31730Ile (NM_001256850.1); c.72917C>T, p.Thr24306Ile (NM_003319.4); c.92408C>T, p.Thr30803Ile (NM_133378.4); c.73292C>T, p.Thr24431Ile (NM_133432.3); c.73493C>T, p.Thr24498Ile (NM_133437.4); short protein forms T24306I, T33371I, T24498I, T24431I, T30803I, T31730I.
Identifiers: ClinVar variation 1758111 (VCV001758111.2), dbSNP rs2154137940, ClinGen allele CA349426738.